The following is an entry in ClinVar:

ClinVar aggregate classification (germline): Conflicting classifications of pathogenicity. Review status: criteria provided, conflicting classifications (1 of 4 stars). 9 submissions from 9 submitters: Uncertain significance (6); Likely benign (3). Last evaluated 2026-01-25.

Conditions:
Chédiak-Higashi syndrome (CHS). Also called: Chediak-Higashi Syndrome. Identifiers: Orphanet 167, MedGen C0007965, MONDO:0008963, OMIM 214500.
Autoinflammatory syndrome. Identifiers: Orphanet 93665, MedGen C3890737, MONDO:0019751.

Allele frequency attached by ClinVar (database versions not stated): gnomAD 0.00028 and 0.00029; gnomAD exomes 0.00029 and 0.00035; ESP Exome Variant Server 0.00031; TOPMed 0.00031; ExAC 0.00038.
gnomAD v4.1: 469 of 1,613,790 alleles (0.029%); highest among the groups gnomAD compares: Middle Eastern, 0.28%; 3 homozygotes.

Submissions (10):

Labcorp Genetics (formerly Invitae), Labcorp
Classification: Likely benign for Chédiak-Higashi syndrome. Last evaluated: 2026-01-25. Review status: criteria provided, single submitter. Criteria: Invitae Variant Classification Sherloc (09022015). Collection method: clinical testing. Allele origin: germline.

Women's Health and Genetics/Laboratory Corporation of America, LabCorp
Classification: Uncertain significance. Last evaluated: 2026-01-11. Review status: criteria provided, single submitter. Criteria: LabCorp Variant Classification Summary - May 2015. Collection method: clinical testing. Allele origin: germline.
Comment: Variant summary: LYST c.2963G>A (p.Arg988Gln) results in a conservative amino acid change in the encoded protein sequence. Algorithms developed to predict the effect of missense changes on protein structure and function all suggest that this variant is likely to be tolerated. The variant allele was found at a frequency of 0.00035 in 250672 control chromosomes in the gnomAD database, including 1 homozygote. This frequency is not significantly higher than estimated for disease-causing variants in LYST, allowing no conclusion about variant significance. To our knowledge, no occurrence of c.2963G>A in individuals affected with LYST-related conditions and no experimental evidence demonstrating its impact on protein function have been reported. ClinVar contains an entry for this variant (Variation ID: 525168). Based on the evidence outlined above, the variant was classified as uncertain significance.

Mayo Clinic Laboratories, Mayo Clinic
Classification: Likely benign. Last evaluated: 2025-05-06. Review status: criteria provided, single submitter. Criteria: ACMG Guidelines, 2015. Collection method: clinical testing. Allele origin: germline. Observed: 4 variant alleles.
Comment: BS1, BP4_moderate

Blueprint Genetics
Classification: Likely benign. Last evaluated: 2024-11-21. Review status: criteria provided, single submitter. Criteria: ACMG Guidelines, 2015. Collection method: clinical testing. Allele origin: germline.

Department of Pathology and Laboratory Medicine, Sinai Health System
Classification: Uncertain significance for Chédiak-Higashi syndrome. Last evaluated: 2022-04-21. Review status: criteria provided, single submitter. Criteria: ACMG Guidelines, 2015. Collection method: research. Allele origin: germline.

Revvity Omics, Revvity
Classification: Uncertain significance for Chédiak-Higashi syndrome. Last evaluated: 2019-12-03. Review status: criteria provided, single submitter. Criteria: ACMG Guidelines, 2015. Collection method: clinical testing. Allele origin: germline.

Fulgent Genetics
Classification: Uncertain significance for Chédiak-Higashi syndrome. Last evaluated: 2018-10-31. Review status: criteria provided, single submitter. Criteria: ACMG Guidelines, 2015. Collection method: clinical testing. Allele origin: unknown.

Illumina Laboratory Services, Illumina
Classification: Uncertain significance for Chédiak-Higashi syndrome. Last evaluated: 2018-01-13. Review status: criteria provided, single submitter. Criteria: ICSL Variant Classification Criteria 13 December 2019. Collection method: clinical testing. Allele origin: germline.

Genome Diagnostics Laboratory, The Hospital for Sick Children
Classification: Uncertain significance for Autoinflammatory syndrome. Last evaluated: 2017-02-03. Review status: criteria provided, single submitter. Criteria: ACMG Guidelines, 2015. Collection method: clinical testing. Allele origin: germline. Affected: yes.

Dr. Peter K. Rogan Lab, Western University
No classification provided (evidence only). Condition: Nonpapillary renal cell carcinoma. Review status: no classification provided. Collection method: in vitro. Allele origin: not applicable. Functional consequence: retained intron. Not counted in ClinVar's aggregate classification.

NM_000081.4(LYST):c.2963G>A (p.Arg988Gln)

Gene: LYST (lysosomal trafficking regulator; minus strand). Cytogenetic location: 1q42.3.
Variant type: single nucleotide variant.
Coding change: c.2963G>A on transcript NM_000081.4 (MANE Select); coding-DNA position 2963, G replaced by A.
Protein change: p.Arg988Gln; replaces arginine 988 with glutamine.
Molecular consequence: missense variant.
Genome position (GRCh38, 1-based): chr1:235,806,173, C>T on the plus strand (G>A on the coding strand, the complement: LYST is on the minus strand). VCF-style: chr1-235806173-C-T. GRCh37 (hg19) VCF-style: chr1-235969473-C-T.
Other names: c.2963G>A, p.Arg988Gln (NM_001301365.1); short protein forms R988Q.
Identifiers: ClinVar variation 525168 (VCV000525168.36), dbSNP rs150953050, ClinGen allele CA1467171.